The following is an entry in ClinVar:

NM_017849.4(TMEM127):c.181T>A (p.Cys61Ser)

Gene: TMEM127 (transmembrane protein 127; minus strand). Cytogenetic location: 2q11.2.
Variant type: single nucleotide variant.
Coding change: c.181T>A on transcript NM_017849.4 (MANE Select); coding-DNA position 181, T replaced by A.
Protein change: p.Cys61Ser; replaces cysteine 61 with serine.
Molecular consequence: missense variant. On other transcripts: intron variant (1).
Genome position (GRCh38, 1-based): chr2:96,265,201, A>T on the plus strand (T>A on the coding strand, the complement: TMEM127 is on the minus strand). VCF-style: chr2-96265201-A-T. GRCh37 (hg19) VCF-style: chr2-96930939-A-T.
Other names: c.181T>A, p.Cys61Ser (NM_001193304.3); c.-9+668T>A (NM_001407283.1); short protein forms C61S.
Identifiers: ClinVar variation 2849111 (VCV002849111.4), dbSNP rs1684389727, ClinGen allele CA347655953.

ClinVar aggregate classification (germline): Uncertain significance. Review status: criteria provided, multiple submitters, no conflicts (2 of 4 stars). 2 submissions from 2 submitters: Uncertain significance (2). Last evaluated 2025-08-04.

Conditions:
Hereditary cancer-predisposing syndrome. Also called: Neoplastic Syndromes, Hereditary; Tumor predisposition; Hereditary Cancer Syndrome; Hereditary neoplastic syndrome. Identifiers: Orphanet 140162, MedGen C0027672, MeSH D009386, MONDO:0015356.
Hereditary pheochromocytoma and paraganglioma. Also called: Hereditary paragangliomas and pheochromocytomas; Hereditary Paraganglioma-Pheochromocytoma Syndromes; Hereditary pheochromocytoma-paraganglioma. Identifiers: Orphanet 29072, MedGen C4274332, MONDO:0017366.

Allele frequency attached by ClinVar (database versions not stated): TOPMed below 0.00001.

Submissions (2):

Ambry Genetics
Classification: Uncertain significance for Hereditary cancer-predisposing syndrome. Last evaluated: 2025-08-04. Review status: criteria provided, single submitter. Criteria: Ambry Variant Classification Scheme 2023. Collection method: clinical testing. Allele origin: germline.
Comment: The p.C61S variant (also known as c.181T>A), located in coding exon 1 of the TMEM127 gene, results from a T to A substitution at nucleotide position 181. The cysteine at codon 61 is replaced by serine, an amino acid with dissimilar properties. This amino acid position is conserved. In addition, this alteration is predicted to be deleterious by in silico analysis. Based on the available evidence, the clinical significance of this variant remains unclear.

Labcorp Genetics (formerly Invitae), Labcorp
Classification: Uncertain significance for Hereditary pheochromocytoma and paraganglioma. Last evaluated: 2024-06-11. Review status: criteria provided, single submitter. Criteria: Invitae Variant Classification Sherloc (09022015). Collection method: clinical testing. Allele origin: germline.
Comment: This sequence change replaces cysteine, which is neutral and slightly polar, with serine, which is neutral and polar, at codon 61 of the TMEM127 protein (p.Cys61Ser). This variant is not present in population databases (gnomAD no frequency). This variant has not been reported in the literature in individuals affected with TMEM127-related conditions. An algorithm developed to predict the effect of missense changes on protein structure and function (PolyPhen-2) suggests that this variant is likely to be disruptive. In summary, the available evidence is currently insufficient to determine the role of this variant in disease. Therefore, it has been classified as a Variant of Uncertain Significance.